The following is an entry in ClinVar:

ClinVar aggregate classification (germline): Pathogenic (1 of 4 stars; one submission).

Conditions:
alpha Thalassemia. Also called: Alpha thalassemia spectrum. Identifiers: Orphanet 846, MedGen C0002312, MONDO:0011399, OMIM 604131.

Submission:

Rare Disease Research and Therapeutics Development Group, Institute of Molecular Genetics and Genetic Engineering, University of Belgrade
Classification: Pathogenic for alpha Thalassemia. Review status: criteria provided, single submitter. Criteria: ACMG/ClinGen CNV Guidelines, 2019. Collection method: research. Allele origin: germline. Affected: yes.
Comment: This −α⁴·² deletion is a recurrent 4.2-kb leftward deletion resulting from unequal homologous recombination between misaligned homologous X-box sequences in the α-globin gene cluster. This crossover produces a chromosome with a single functional α-globin gene, HBA1, and represents a deletional form of α⁺-thalassemia. The variant has been independently reported in multiple populations. Heterozygous carriers (−α⁴·²/αα) are generally clinically silent or exhibit mild microcytosis and hypochromia, whereas inheritance of two α-globin gene deletions, including homozygous or compound heterozygous states, results in a greater reduction in α-globin production and a more pronounced α-thalassemia phenotype.

Literature cited by the submitters: DOI 10.3389/fped.2023.1039148; DOI 10.1080/16078454.2026.2613496.

NC_000016.10:g.169819_174075del

Genes: HBA2 (hemoglobin subunit alpha 2; plus strand), LOC106804612 (hemoglobin subunit alpha 2 recombination region; plus strand). Cytogenetic location: 16p13.3.
Variant type: Deletion.
Genome position: GRCh38: chr16:169,819-174,075. GRCh37 (hg19): chr16:219,818-224,074.
Identifiers: ClinVar variation 4887964 (VCV004887964.1).